The following is an entry in ClinVar:

ClinVar aggregate classification (germline): Uncertain significance (1 of 4 stars; one submission).

gnomAD v4.1: 7 of 1,611,276 alleles (0.00043%); highest among the groups gnomAD compares: Admixed American, 0.012%; no homozygotes.

Submission:

Labcorp Genetics (formerly Invitae), Labcorp
Classification: Uncertain significance. Last evaluated: 2025-09-26. Review status: criteria provided, single submitter. Criteria: Invitae Variant Classification Sherloc (09022015). Collection method: clinical testing. Allele origin: germline.
Comment: This sequence change replaces lysine, which is basic and polar, with arginine, which is basic and polar, at codon 256 of the ZCCHC8 protein (p.Lys256Arg). This variant is present in population databases (rs756301515, gnomAD 0.02%). This variant has not been reported in the literature in individuals affected with ZCCHC8-related conditions. Invitae Evidence Modeling of protein sequence and biophysical properties (such as structural, functional, and spatial information, amino acid conservation, physicochemical variation, residue mobility, and thermodynamic stability) indicates that this missense variant is not expected to disrupt ZCCHC8 protein function with a negative predictive value of 80%. In summary, the available evidence is currently insufficient to determine the role of this variant in disease. Therefore, it has been classified as a Variant of Uncertain Significance.

NM_017612.5(ZCCHC8):c.767A>G (p.Lys256Arg)

Gene: ZCCHC8 (zinc finger CCHC-type containing 8; minus strand). Cytogenetic location: 12q24.31.
Variant type: single nucleotide variant.
Coding change: c.767A>G on transcript NM_017612.5 (MANE Select); coding-DNA position 767, A replaced by G.
Protein change: p.Lys256Arg; replaces lysine 256 with arginine.
Molecular consequence: missense variant.
Genome position (GRCh38, 1-based): chr12:122,482,053, T>C on the plus strand (A>G on the coding strand, the complement: ZCCHC8 is on the minus strand). VCF-style: chr12-122482053-T-C. GRCh37 (hg19) VCF-style: chr12-122966600-T-C.
Other names: c.536A>G, p.Lys179Arg (NM_001350935.2); c.470A>G, p.Lys157Arg (NM_001350936.2); c.53A>G, p.Lys18Arg (NM_001350937.2, NM_001350938.2); short protein forms K179R, K18R, K256R, K157R.
Identifiers: ClinVar variation 4701251 (VCV004701251.1).
Genomic context (GRCh38, chr12:122,482,053, plus strand): 5'-GCGTGGTATCGCTGCTGGAAATTCTGATTGTTTGCTTCTCCACAGGCATCCATATACTCT[T>C]TTCTCTTTTCACTTATTCGAGCAGCATTCCGAGGCTACATCATGACACATTTGAAAAGAA-3'
Protein context (NP_060082.2, residues 246-266): RNAARISEKR[Lys256Arg]EYMDACGEAN